The following is an entry in ClinVar:

ClinVar aggregate classification (germline): Conflicting classifications of pathogenicity. Review status: criteria provided, conflicting classifications (1 of 4 stars). 5 submissions from 5 submitters: Uncertain significance (3); Likely benign (1). 1 of the submissions does not count toward it. Last evaluated 2025-12-19.

Conditions:
Nemaline myopathy 2 (NEM2). Also called: Nemaline myopathy 2, autosomal recessive. Identifiers: MedGen C1850569, MONDO:0009725, OMIM 256030.

Allele frequency attached by ClinVar (database versions not stated): gnomAD exomes 0.00008; TOPMed 0.00009; gnomAD 0.00011 and 0.00012; ExAC 0.00014; 1000 Genomes Project 30x 0.00016; ESP Exome Variant Server 0.00016.
gnomAD v4.1: 212 of 1,585,960 alleles (0.013%); highest among the groups gnomAD compares: Middle Eastern, 0.13%; 1 homozygote.

Submissions (5):

Labcorp Genetics (formerly Invitae), Labcorp
Classification: Likely benign for Nemaline myopathy 2. Last evaluated: 2025-12-19. Review status: criteria provided, single submitter. Criteria: Invitae Variant Classification Sherloc (09022015). Collection method: clinical testing. Allele origin: germline.

CeGaT Center for Human Genetics Tuebingen
Classification: Uncertain significance. Last evaluated: 2024-05-01. Review status: criteria provided, single submitter. Criteria: CeGaT Center For Human Genetics Tuebingen Variant Classification Criteria Version 2. Collection method: clinical testing. Allele origin: germline. Affected: yes. Observed: 1 variant allele.
Comment: NEB: PM2, BP4

Revvity Omics, Revvity
Classification: Uncertain significance. Last evaluated: 2023-03-29. Review status: criteria provided, single submitter. Criteria: ACMG Guidelines, 2015. Collection method: clinical testing. Allele origin: germline.

Illumina Laboratory Services, Illumina
Classification: Uncertain significance for Nemaline myopathy 2. Last evaluated: 2018-01-12. Review status: criteria provided, single submitter. Criteria: ICSL Variant Classification Criteria 13 December 2019. Collection method: clinical testing. Allele origin: germline.

Natera, Inc.
Classification: Uncertain significance for Nemaline myopathy type 2. Last evaluated: 2020-01-17. Review status: no assertion criteria provided. Collection method: clinical testing. Allele origin: germline. Not counted in ClinVar's aggregate classification.

NM_001164508.2(NEB):c.18860G>A (p.Arg6287His)

Gene: NEB (nebulin; minus strand). Cytogenetic location: 2q23.3.
Variant type: single nucleotide variant.
Coding change: c.18860G>A on transcript NM_001164508.2 (MANE Select); coding-DNA position 18860, G replaced by A.
Protein change: p.Arg6287His; replaces arginine 6287 with histidine.
Molecular consequence: missense variant.
Genome position (GRCh38, 1-based): chr2:151,562,642, C>T on the plus strand (G>A on the coding strand, the complement: NEB is on the minus strand). VCF-style: chr2-151562642-C-T. GRCh37 (hg19) VCF-style: chr2-152419156-C-T.
Other names: c.18860G>A, p.Arg6287His (NM_001164507.2, NM_001271208.2); c.13757G>A, p.Arg4586His (NM_004543.5); short protein forms R4586H, R6287H.
Identifiers: ClinVar variation 862301 (VCV000862301.33), dbSNP rs200195063, ClinGen allele CA1907834.
Genomic context (GRCh38, chr2:151,562,642, plus strand): 5'-TGAGTCAAGCTGCAGAAGGGACATCATACATCACTCAAGATCTCCTGGGCGTTTCGGACG[C>T]GTATAACATTGGGTTCTTCCAGAAGAGACGTCCACTGGTGGAAATAGTGTCGATACTCCA-3'
Protein context (NP_001157980.2, residues 6277-6297): TSLLEEPNVI[Arg6287His]VRNAQEILSD